The following is an entry in ClinVar:

ClinVar aggregate classification (germline): Uncertain significance. Review status: criteria provided, multiple submitters, no conflicts (2 of 4 stars). 2 submissions from 2 submitters: Uncertain significance (2). Last evaluated 2025-11-11.

Conditions:
Hereditary cancer-predisposing syndrome. Also called: Hereditary neoplastic syndrome; Neoplastic Syndromes, Hereditary; Tumor predisposition; Hereditary Cancer Syndrome. Identifiers: Orphanet 140162, MedGen C0027672, MeSH D009386, MONDO:0015356.
Familial cancer of breast. Also called: BREAST CANCER, FAMILIAL; Hereditary breast cancer; hereditary breast carcinoma. Identifiers: Orphanet 227535, MedGen C0346153, MONDO:0016419, OMIM 114480. Disease mechanism: loss of function.

Submissions (2):

Ambry Genetics
Classification: Uncertain significance for Hereditary cancer-predisposing syndrome. Last evaluated: 2025-11-11. Review status: criteria provided, single submitter. Criteria: Ambry Variant Classification Scheme 2023. Collection method: clinical testing. Allele origin: germline.
Comment: The p.L309V variant (also known as c.925C>G), located in coding exon 8 of the CHEK2 gene, results from a C to G substitution at nucleotide position 925. The leucine at codon 309 is replaced by valine, an amino acid with highly similar properties. This amino acid position is highly conserved in available vertebrate species. In addition, this alteration is predicted to be deleterious by in silico analysis. Since supporting evidence is limited at this time, the clinical significance of this alteration remains unclear.

Labcorp Genetics (formerly Invitae), Labcorp
Classification: Uncertain significance for Familial cancer of breast. Last evaluated: 2021-09-29. Review status: criteria provided, single submitter. Criteria: Invitae Variant Classification Sherloc (09022015). Collection method: clinical testing. Allele origin: germline.
Comment: Algorithms developed to predict the effect of sequence changes on RNA splicing suggest that this variant may create or strengthen a splice site. Algorithms developed to predict the effect of missense changes on protein structure and function are either unavailable or do not agree on the potential impact of this missense change (SIFT: "Deleterious"; PolyPhen-2: "Probably Damaging"; Align-GVGD: "Class C0"). ClinVar contains an entry for this variant (Variation ID: 185868). This variant has not been reported in the literature in individuals affected with CHEK2-related conditions. This variant is not present in population databases (ExAC no frequency). This sequence change replaces leucine with valine at codon 309 of the CHEK2 protein (p.Leu309Val). The leucine residue is highly conserved and there is a small physicochemical difference between leucine and valine. In summary, the available evidence is currently insufficient to determine the role of this variant in disease. Therefore, it has been classified as a Variant of Uncertain Significance.

NM_007194.4(CHEK2):c.925C>G (p.Leu309Val)

Gene: CHEK2 (checkpoint kinase 2; minus strand). Cytogenetic location: 22q12.1.
Variant type: single nucleotide variant.
Coding change: c.925C>G on transcript NM_007194.4 (MANE Select); coding-DNA position 925, C replaced by G.
Protein change: p.Leu309Val; replaces leucine 309 with valine.
Molecular consequence: missense variant.
Genome position (GRCh38, 1-based): chr22:28,699,921, G>C on the plus strand (C>G on the coding strand, the complement: CHEK2 is on the minus strand). VCF-style: chr22-28699921-G-C. GRCh37 (hg19) VCF-style: chr22-29095909-G-C.
Other names: c.1054C>G, p.Leu352Val (NM_001005735.3); c.262C>G, p.Leu88Val (NM_001257387.3); c.724C>G, p.Leu242Val (NM_001349956.3); c.925C>G, p.Leu309Val (NM_145862.3); short protein forms L309V, L88V, L242V, L352V.
Identifiers: ClinVar variation 185868 (VCV000185868.15), dbSNP rs786202521, ClinGen allele CA193198.